The following is an entry in ClinVar:

NM_000026.4(ADSL):c.974A>G (p.Gln325Arg)

Gene: ADSL (adenylosuccinate lyase; plus strand). Cytogenetic location: 22q13.1.
Variant type: single nucleotide variant.
Coding change: c.974A>G on transcript NM_000026.4 (MANE Select); coding-DNA position 974, A replaced by G.
Protein change: p.Gln325Arg; replaces glutamine 325 with arginine.
Molecular consequence: missense variant. On other transcripts: non-coding transcript variant (1).
Genome position (GRCh38, 1-based): chr22:40,361,599, A>G. VCF-style: chr22-40361599-A-G. GRCh37 (hg19) VCF-style: chr22-40757603-A-G.
Other names: c.974A>G, p.Gln325Arg (NM_001123378.3, NM_001363840.3); c.782A>G, p.Gln261Arg (NM_001317923.2); short protein forms Q261R, Q325R.
Identifiers: ClinVar variation 1361529 (VCV001361529.8), dbSNP rs1484677062, ClinGen allele CA411644440.
Genomic context (GRCh38, chr22:40,361,599, plus strand): 5'-GCAGTCTTGCCCGCCACCTGATGACCCTTGTCATGGACCCGCTACAGACAGCATCTGTCC[A>G]GTGGTTTGAACGCACACTGGATGATAGTGCCAACCGGTCAGTGGCACAGGGACATCACAT-3'
Protein context (NP_000017.1, residues 315-335): VMDPLQTASV[Gln325Arg]WFERTLDDSA

ClinVar aggregate classification (germline): Uncertain significance (1 of 4 stars; one submission).

Conditions:
Adenylosuccinate lyase deficiency (ADSLD). Also called: ADSL DEFICIENCY. Identifiers: Orphanet 46, MedGen C0268126, MONDO:0007068, OMIM 103050.

Allele frequency attached by ClinVar (database versions not stated): gnomAD exomes below 0.00001.
gnomAD v4.1: 1 of 1,614,122 alleles (0.000062%); highest among the groups gnomAD compares: Admixed American, 0.0017%; no homozygotes.

Submission:

Labcorp Genetics (formerly Invitae), Labcorp
Classification: Uncertain significance for Adenylosuccinate lyase deficiency. Last evaluated: 2022-06-24. Review status: criteria provided, single submitter. Criteria: Invitae Variant Classification Sherloc (09022015). Collection method: clinical testing. Allele origin: germline.
Comment: In summary, the available evidence is currently insufficient to determine the role of this variant in disease. Therefore, it has been classified as a Variant of Uncertain Significance. Advanced modeling of protein sequence and biophysical properties (such as structural, functional, and spatial information, amino acid conservation, physicochemical variation, residue mobility, and thermodynamic stability) performed at Invitae indicates that this missense variant is expected to disrupt ADSL protein function. This variant has not been reported in the literature in individuals affected with ADSL-related conditions. The frequency data for this variant in the population databases is considered unreliable, as metrics indicate poor data quality at this position in the gnomAD database. This sequence change replaces glutamine, which is neutral and polar, with arginine, which is basic and polar, at codon 325 of the ADSL protein (p.Gln325Arg).